The following is an entry in ClinVar:

ClinVar aggregate classification (germline): Likely benign (1 of 4 stars; one submission).

Conditions:
Familial colorectal cancer type X. Identifiers: Orphanet 440437, MedGen C3896578, MONDO:0018604.

Submission:

Myriad Genetics, Inc.
Classification: Likely benign for Familial colorectal cancer type X. Last evaluated: 2026-08-03. Review status: criteria provided, single submitter. Criteria: Myriad Autosomal Dominant, Autosomal Recessive and X-Linked Classification Criteria (2023). Collection method: clinical testing. Allele origin: unknown.
Comment: This variant is considered likely benign. This variant is intronic and is not expected to impact mRNA splicing.

NM_001146227.3(RPS20):c.334-9G>A

Gene: RPS20 (ribosomal protein S20; minus strand). Cytogenetic location: 8q12.1.
Variant type: single nucleotide variant.
Coding change: c.334-9G>A on transcript NM_001146227.3; 9 bases into the intron before coding-DNA position 334, G replaced by A.
Molecular consequence: intron variant.
Genome position (GRCh38, 1-based): chr8:56,069,842, C>T on the plus strand (G>A on the coding strand, the complement: RPS20 is on the minus strand). VCF-style: chr8-56069842-C-T. GRCh37 (hg19) VCF-style: chr8-56982401-C-T.
Identifiers: ClinVar variation 5042325 (VCV005042325.1).